The following is an entry in ClinVar:

NM_133178.4(PTPRU):c.2778G>A (p.Leu926=)

Gene: PTPRU (protein tyrosine phosphatase receptor type U; plus strand). Cytogenetic location: 1p35.3.
Variant type: single nucleotide variant.
Coding change: c.2778G>A on transcript NM_133178.4 (MANE Select); coding-DNA position 2778, G replaced by A.
Protein change: p.Leu926=; no amino-acid change (leucine 926 retained).
Molecular consequence: synonymous variant.
Genome position (GRCh38, 1-based): chr1:29,305,386, G>A. VCF-style: chr1-29305386-G-A. GRCh37 (hg19) VCF-style: chr1-29631898-G-A.
Other names: c.2778G>A, p.Leu926= (NM_001195001.2, NM_133177.4); c.2808G>A, p.Leu936= (NM_005704.5).
Identifiers: ClinVar variation 3040562 (VCV003040562.2), dbSNP rs141019104, ClinGen allele CA726821.

ClinVar aggregate classification (germline): Likely benign (0 of 4 stars; one submission).

Conditions:
PTPRU-related disorder. Also called: PTPRU-related condition.

Allele frequency attached by ClinVar (database versions not stated): ESP Exome Variant Server 0.00023; TOPMed 0.00030; gnomAD exomes 0.00031; gnomAD 0.00037; ExAC 0.00038.
gnomAD v4.1: 507 of 1,613,898 alleles (0.031%); highest among the groups gnomAD compares: Non-Finnish European, 0.038%; no homozygotes.

Submission:

PreventionGenetics, part of Exact Sciences
Classification: Likely benign for PTPRU-related condition. Last evaluated: 2023-01-31. Review status: no assertion criteria provided. Collection method: clinical testing. Allele origin: germline.
Comment: This variant is classified as likely benign based on ACMG/AMP sequence variant interpretation guidelines (Richards et al. 2015 PMID: 25741868, with internal and published modifications).